The following is an entry in ClinVar:

ClinVar aggregate classification (germline): Uncertain significance (1 of 4 stars; one submission).

gnomAD v4.1: 3 of 1,614,184 alleles (0.00019%); highest among the groups gnomAD compares: Non-Finnish European, 0.00017%; no homozygotes.

Submission:

Labcorp Genetics (formerly Invitae), Labcorp
Classification: Uncertain significance. Last evaluated: 2024-02-11. Review status: criteria provided, single submitter. Criteria: Invitae Variant Classification Sherloc (09022015). Collection method: clinical testing. Allele origin: germline.
Comment: This sequence change replaces arginine, which is basic and polar, with leucine, which is neutral and non-polar, at codon 1080 of the CTR9 protein (p.Arg1080Leu). This variant is present in population databases (rs577509605, gnomAD 0.0009%). This variant has not been reported in the literature in individuals affected with CTR9-related conditions. An algorithm developed to predict the effect of missense changes on protein structure and function (PolyPhen-2) suggests that this variant is likely to be tolerated. In summary, the available evidence is currently insufficient to determine the role of this variant in disease. Therefore, it has been classified as a Variant of Uncertain Significance.

NM_014633.5(CTR9):c.3239G>T (p.Arg1080Leu)

Gene: CTR9 (CTR9 component of Paf1/RNA polymerase II complex; plus strand). Cytogenetic location: 11p15.4.
Variant type: single nucleotide variant.
Coding change: c.3239G>T on transcript NM_014633.5 (MANE Select); coding-DNA position 3239, G replaced by T.
Protein change: p.Arg1080Leu; replaces arginine 1080 with leucine.
Molecular consequence: missense variant.
Genome position (GRCh38, 1-based): chr11:10,778,822, G>T. VCF-style: chr11-10778822-G-T. GRCh37 (hg19) VCF-style: chr11-10800369-G-T.
Other names: c.3167G>T, p.Arg1056Leu (NM_001346279.2); short protein forms R1080L, R1056L.
Identifiers: ClinVar variation 3700005 (VCV003700005.2).
Genomic context (GRCh38, chr11:10,778,822, plus strand): 5'-ATGAGAACCAGAACAAGTCTGGCAGCGAGGCCGGCAGTCCCCGGAGGCCACGAAGACAGC[G>T]GTCAGATCAGGACTCAGACAGTGACCAGCCATCCAGAAAGAGAAGGCCCTCCGGTTCTGA-3'
Protein context (NP_055448.1, residues 1070-1090): AGSPRRPRRQ[Arg1080Leu]SDQDSDSDQP